The following is an entry in ClinVar:

ClinVar aggregate classification (germline): Uncertain significance (1 of 4 stars; one submission).

Conditions:
Hereditary cancer-predisposing syndrome. Also called: Neoplastic Syndromes, Hereditary; Tumor predisposition; Hereditary Cancer Syndrome; Hereditary neoplastic syndrome. Identifiers: Orphanet 140162, MedGen C0027672, MeSH D009386, MONDO:0015356.

Submission:

Ambry Genetics
Classification: Uncertain significance for Hereditary cancer-predisposing syndrome. Last evaluated: 2016-03-14. Review status: criteria provided, single submitter. Criteria: Ambry Variant Classification Scheme 2023. Collection method: clinical testing. Allele origin: germline.
Comment: The p.S213R variant (also known as c.639C>G), located in coding exon 5 of the STK11 gene, results from a C to G substitution at nucleotide position 639. The serine at codon 213 is replaced by arginine, an amino acid with dissimilar properties. This variant was not reported in population based cohorts in the following databases: Database of Single Nucleotide Polymorphisms (dbSNP), NHLBI Exome Sequencing Project (ESP), and 1000 Genomes Project. In the ESP, this variant was not observed in 6057 samples (12114 alleles) with coverage at this position. To date, this alteration has been detected with an allele frequency of approximately 0.001% (greater than 125000 alleles tested) in our clinical cohort. This amino acid position is highly conserved in available vertebrate species. In addition, this alteration is predicted to be benign and deleterious by PolyPhen and SIFT in silico analyses, respectively. Since supporting evidence is limited at this time, the clinical significance of this alteration remains unclear.

NM_000455.5(STK11):c.639C>G (p.Ser213Arg)

Gene: STK11 (serine/threonine kinase 11; plus strand). Cytogenetic location: 19p13.3.
Variant type: single nucleotide variant.
Coding change: c.639C>G on transcript NM_000455.5 (MANE Select); coding-DNA position 639, C replaced by G.
Protein change: p.Ser213Arg; replaces serine 213 with arginine.
Molecular consequence: missense variant.
Genome position (GRCh38, 1-based): chr19:1,220,622, C>G. VCF-style: chr19-1220622-C-G. GRCh37 (hg19) VCF-style: chr19-1220621-C-G.
Other names: short protein forms S213R.
Identifiers: ClinVar variation 485006 (VCV000485006.4), dbSNP rs1555738391, ClinGen allele CA402949568.